The following is an entry in ClinVar:

NM_024675.4(PALB2):c.2197ACT[1] (p.Thr734del)

Gene: PALB2 (partner and localizer of BRCA2; minus strand). Cytogenetic location: 16p12.2.
Variant type: Microsatellite.
Coding change: c.2197ACT[1] on transcript NM_024675.4 (MANE Select); one copy of the 3-base unit ACT starting at c.2197; the reference has two copies in a row; one copy, 3 bases deleted.
Protein change: p.Thr734del; deletes threonine 734.
Molecular consequence: inframe deletion.
Genome position (GRCh38, 1-based): chr16:23,629,952-23,629,954, AGT deleted on the plus strand (ACT on the coding strand, the reverse complement: PALB2 is on the minus strand); deleting any 3 consecutive bases within chr16:23,629,952-23,629,958 gives the same sequence; the position shown is the placement nearest the transcript's 3' end. VCF-style (leftmost placement, unchanged base first): chr16-23629951-GAGT-G. GRCh37 (hg19) VCF-style: chr16-23641272-GAGT-G.
Other names: c.2200_2202delACT (NM_024675.3); short protein forms T734del.
Identifiers: ClinVar variation 482049 (VCV000482049.9), dbSNP rs781693946, ClinGen allele CA7963614.

ClinVar aggregate classification (germline): Uncertain significance. Review status: criteria provided, multiple submitters, no conflicts (2 of 4 stars). 3 submissions from 3 submitters: Uncertain significance (2). 1 of the submissions does not count toward it. Last evaluated 2023-05-09.

Conditions:
Hereditary cancer-predisposing syndrome. Also called: Neoplastic Syndromes, Hereditary; Tumor predisposition; Hereditary Cancer Syndrome; Hereditary neoplastic syndrome. Identifiers: Orphanet 140162, MedGen C0027672, MeSH D009386, MONDO:0015356.
Familial cancer of breast. Also called: BREAST CANCER, FAMILIAL; Hereditary breast cancer; hereditary breast carcinoma. Identifiers: Orphanet 227535, MedGen C0346153, MONDO:0016419, OMIM 114480. Disease mechanism: loss of function.

Submissions (3):

Myriad Genetics, Inc.
Classification: Uncertain significance for Familial cancer of breast. Last evaluated: 2023-05-09. Review status: criteria provided, single submitter. Criteria: Myriad Autosomal Dominant, Autosomal Recessive and X-Linked Classification Criteria (2023). Collection method: clinical testing. Allele origin: unknown.
Comment: This variant is classified as a variant of uncertain significance as there is insufficient evidence to determine its impact on protein function and/or cancer risk.

Ambry Genetics
Classification: Uncertain significance for Hereditary cancer-predisposing syndrome. Last evaluated: 2018-01-09. Review status: criteria provided, single submitter. Criteria: Ambry Variant Classification Scheme 2023. Collection method: clinical testing. Allele origin: germline.
Comment: The c.2200_2202delACT variant (also known as p.T734del) is located in coding exon 5 of the PALB2 gene. This variant results from an in-frame deletion of ACT at nucleotide positions 2200 to 2202. This results in the in-frame deletion of a threonine at codon 734. The deleted nucleotide region is well conserved in available vertebrate species. Since supporting evidence is limited at this time, the clinical significance of this alteration remains unclear.

Counsyl
Classification: Uncertain significance for Familial cancer of breast. Last evaluated: 2017-06-12. Review status: no assertion criteria provided. Collection method: clinical testing. Allele origin: unknown. Not counted in ClinVar's aggregate classification.